The following is an entry in ClinVar:

NC_000020.10:g.(?_389402)_(398594_?)del

Gene: RBCK1 (RANBP2-type and C3HC4-type zinc finger containing 1; plus strand). Cytogenetic location: 20p13.
Variant type: Deletion.
Identifiers: ClinVar variation 3248309 (VCV003248309.1).

ClinVar aggregate classification (germline): Pathogenic (1 of 4 stars; one submission).

Conditions:
Polyglucosan body myopathy type 1 (PGBM1). Also called: Polyglucosan body myopathy 1 with or without immunodeficiency; POLYGLUCOSAN BODY MYOPATHY WITHOUT IMMUNODEFICIENCY. Identifiers: Orphanet 329173, Orphanet 397937, MedGen C4014605, MONDO:0014389, OMIM 615895.

Submission:

Labcorp Genetics (formerly Invitae), Labcorp
Classification: Pathogenic for Polyglucosan body myopathy type 1. Last evaluated: 2023-10-06. Review status: criteria provided, single submitter. Criteria: Invitae Variant Classification Sherloc (09022015). Collection method: clinical testing. Allele origin: unknown.
Comment: This variant is a gross deletion of the genomic region encompassing exon(s) 1-4 of the RBCK1 gene, which includes the initiator codon. This deletion extends beyond the assayed region for this gene and therefore may encompass additional genes. It is expected to result in an absent or disrupted protein product. Loss-of-function variants in RBCK1 are known to be pathogenic (PMID: 2379848, 23104095, 23889995). This variant has not been reported in the literature in individuals affected with RBCK1-related conditions. For these reasons, this variant has been classified as Pathogenic.

Literature cited by the submitters: PubMed 2379848; PubMed 23104095; PubMed 23889995.